The following is an entry in ClinVar:

ClinVar aggregate classification (germline): Uncertain significance (1 of 4 stars; one submission).

Conditions:
Hereditary cancer-predisposing syndrome. Also called: Tumor predisposition; Neoplastic Syndromes, Hereditary; Hereditary Cancer Syndrome; Hereditary neoplastic syndrome. Identifiers: Orphanet 140162, MedGen C0027672, MeSH D009386, MONDO:0015356.

Submission:

Ambry Genetics
Classification: Uncertain significance for Hereditary cancer-predisposing syndrome. Last evaluated: 2025-02-14. Review status: criteria provided, single submitter. Criteria: Ambry Variant Classification Scheme 2023. Collection method: clinical testing. Allele origin: germline.
Comment: The p.A294S variant (also known as c.880G>T), located in coding exon 9 of the MITF gene, results from a G to T substitution at nucleotide position 880. The alanine at codon 294 is replaced by serine, an amino acid with similar properties. This amino acid position is conserved. In addition, the in silico prediction for this alteration is inconclusive. Based on the available evidence, the clinical significance of this variant remains unclear.

NM_001354604.2(MITF):c.1201G>T (p.Ala401Ser)

Gene: MITF (melanocyte inducing transcription factor; plus strand). Cytogenetic location: 3p13.
Variant type: single nucleotide variant.
Coding change: c.1201G>T on transcript NM_001354604.2 (MANE Select); coding-DNA position 1201, G replaced by T.
Protein change: p.Ala401Ser; replaces alanine 401 with serine.
Molecular consequence: missense variant.
Genome position (GRCh38, 1-based): chr3:69,964,868, G>T. VCF-style: chr3-69964868-G-T. GRCh37 (hg19) VCF-style: chr3-70014019-G-T.
Other names: c.880G>T, p.Ala294Ser (NM_000248.4); c.1027G>T, p.Ala343Ser (NM_001184967.2, NM_001354608.2); c.1198G>T, p.Ala400Ser (NM_001354605.2); c.1180G>T, p.Ala394Ser (NM_001354606.2, NM_006722.3); c.1132G>T, p.Ala378Ser (NM_001354607.2); c.862G>T, p.Ala288Ser (NM_198158.3); c.1183G>T, p.Ala395Ser (NM_198159.3); c.1135G>T, p.Ala379Ser (NM_198177.3); and 1 more; short protein forms A232S, A379S, A395S, A400S, A401S, A294S, A343S, A378S.
Identifiers: ClinVar variation 3873247 (VCV003873247.1).